The following is an entry in ClinVar:

ClinVar aggregate classification (germline): Likely benign. Review status: criteria provided, single submitter (1 of 4 stars). 2 submissions from 2 submitters: Likely benign (1). 1 of the submissions does not count toward it. Last evaluated 2025-08-23.

Conditions:
MCM3AP-related disorder. Also called: MCM3AP-related condition.

Allele frequency attached by ClinVar (database versions not stated): gnomAD 0.00002; TOPMed 0.00002; gnomAD exomes 0.00003 and 0.00004; ExAC 0.00005; ESP Exome Variant Server 0.00008.
gnomAD v4.1: 45 of 1,602,684 alleles (0.0028%); highest among the groups gnomAD compares: Admixed American, 0.0084%; no homozygotes.

Submissions (2):

Labcorp Genetics (formerly Invitae), Labcorp
Classification: Likely benign. Last evaluated: 2025-08-23. Review status: criteria provided, single submitter. Criteria: Invitae Variant Classification Sherloc (09022015). Collection method: clinical testing. Allele origin: germline.

PreventionGenetics, part of Exact Sciences
Classification: Likely benign for MCM3AP-related condition. Last evaluated: 2019-07-12. Review status: no assertion criteria provided. Collection method: clinical testing. Allele origin: germline. Not counted in ClinVar's aggregate classification.
Comment: This variant is classified as likely benign based on ACMG/AMP sequence variant interpretation guidelines (Richards et al. 2015 PMID: 25741868, with internal and published modifications).

NM_003906.5(MCM3AP):c.2985C>T (p.Ala995=)

Gene: MCM3AP (minichromosome maintenance complex component 3 associated protein; minus strand). Cytogenetic location: 21q22.3.
Variant type: single nucleotide variant.
Coding change: c.2985C>T on transcript NM_003906.5 (MANE Select); coding-DNA position 2985, C replaced by T.
Protein change: p.Ala995=; no amino-acid change (alanine 995 retained).
Molecular consequence: synonymous variant.
Genome position (GRCh38, 1-based): chr21:46,265,971, G>A on the plus strand (C>T on the coding strand, the complement: MCM3AP is on the minus strand). VCF-style: chr21-46265971-G-A. GRCh37 (hg19) VCF-style: chr21-47685885-G-A.
Other names: c.2985C>T (NM_003906.4).
Identifiers: ClinVar variation 1603199 (VCV001603199.10), dbSNP rs374368931, ClinGen allele CA10076672.